The following is an entry in ClinVar:

NM_000554.6(CRX):c.733T>C (p.Ser245Pro)

Gene: CRX (cone-rod homeobox; plus strand). Cytogenetic location: 19q13.33.
Variant type: single nucleotide variant.
Coding change: c.733T>C on transcript NM_000554.6 (MANE Select); coding-DNA position 733, T replaced by C.
Protein change: p.Ser245Pro; replaces serine 245 with proline.
Molecular consequence: missense variant.
Genome position (GRCh38, 1-based): chr19:47,839,800, T>C. VCF-style: chr19-47839800-T-C. GRCh37 (hg19) VCF-style: chr19-48343057-T-C.
Other names: short protein forms S245P.
Identifiers: ClinVar variation 450613 (VCV000450613.2), dbSNP rs1555802042, ClinGen allele CA406631679.

ClinVar aggregate classification (germline): Uncertain significance (1 of 4 stars; one submission).

Submission:

GeneDx
Classification: Uncertain significance. Last evaluated: 2017-07-25. Review status: criteria provided, single submitter. Criteria: GeneDx Variant Classification (06012015). Collection method: clinical testing. Allele origin: germline. Affected: yes.
Comment: The S245P variant in the CRX gene has not been reported previously as a pathogenic variant, nor as a benign variant, to our knowledge. This variant is not observed in large population cohorts (Lek et al., 2016; 1000 Genomes Consortium et al., 2015; Exome Variant Server). The S245P variant is a non-conservative amino acid substitution, which is likely to impact secondary protein structure as these residues differ in polarity, charge, size and/or other properties. However, this substitution occurs at a position that is conserved across species. and in silico analysis predicts this variant is probably damaging to the protein structure/function. We interpret S245P as a variant of uncertain significance.